The following is an entry in ClinVar:

ClinVar aggregate classification (germline): Pathogenic (1 of 4 stars; one submission).

Conditions:
Growth delay due to insulin-like growth factor I resistance. Also called: Somatomedin end-organ insensitivity to; Somatomedin-c resistance to; IGF-1 resistance; IGF-I RESISTANCE; Insulin-Like Growth Factor I Resistance. Identifiers: Orphanet 73273, MedGen C1849157, MONDO:0010038, OMIM 270450.

Submission:

Women's Health and Genetics/Laboratory Corporation of America, LabCorp
Classification: Pathogenic for Growth delay due to insulin-like growth factor I resistance. Last evaluated: 2024-11-18. Review status: criteria provided, single submitter. Criteria: LabCorp Variant Classification Summary - May 2015. Collection method: clinical testing. Allele origin: germline.
Comment: Variant summary: IGF1R c.2331_2332delCT (p.Phe778X) results in a premature termination codon, predicted to cause a truncation of the encoded protein or absence of the protein due to nonsense mediated decay, which are commonly known mechanisms for disease. The variant was absent in 251494 control chromosomes. To our knowledge, no occurrence of c.2331_2332delCT in individuals affected with Growth Delay Due To Insulin-Like Growth Factor I Resistance and no experimental evidence demonstrating its impact on protein function have been reported. No submitters have cited clinical-significance assessments for this variant to ClinVar. Based on the evidence outlined above, the variant was classified as pathogenic.

NM_000875.5(IGF1R):c.2331_2332del (p.Phe777_Phe778insTer)

Gene: IGF1R (insulin like growth factor 1 receptor; plus strand). Cytogenetic location: 15q26.3.
Variant type: Deletion.
Coding change: c.2331_2332del on transcript NM_000875.5 (MANE Select); coding-DNA positions 2331 to 2332, 2 bases deleted (CT; older notation c.2331_2332delCT).
Protein change: p.Phe777_Phe778insTer.
Molecular consequence: frameshift variant.
Genome position (GRCh38, 1-based): chr15:98,922,277-98,922,278, CT deleted; deleting any 2 consecutive bases within chr15:98,922,276-98,922,278 gives the same sequence; the c. name uses the placement nearest the transcript's 3' end. VCF-style (leftmost placement, unchanged base first): chr15-98922275-TTC-T. GRCh37 (hg19) VCF-style: chr15-99465504-TTC-T.
Other names: c.2331_2332del, p.Phe777_Phe778insTer (NM_001291858.2); c.2331_2332delCT (NM_000875.5).
Identifiers: ClinVar variation 3630030 (VCV003630030.1).